The following is an entry in ClinVar:

NC_000019.10:g.41878996_41879009del

Genes: CD79A (CD79a molecule; plus strand), RPS19-CD79A (RPS19-CD79A readthrough; plus strand). Cytogenetic location: 19q13.2.
Variant type: Deletion.
Genome position: GRCh38 VCF-style: chr19-41878986-ACAGGCCCTGGGTGC-A. GRCh37 (hg19) VCF-style: chr19-42383056-ACAGGCCCTGGGTGC-A.
Identifiers: ClinVar variation 2128215 (VCV002128215.5), ClinGen allele CA2580097299.

ClinVar aggregate classification (germline): Pathogenic (1 of 4 stars; one submission).

Conditions:
Agammaglobulinemia 3, autosomal recessive (AGM3). Also called: AGAMMAGLOBULINEMIA 3; AGAMMAGLOBULINEMIA, AUTOSOMAL RECESSIVE, DUE TO CD79A DEFECT. Identifiers: MedGen C3150751, MONDO:0013288, OMIM 613501.

Submission:

Labcorp Genetics (formerly Invitae), Labcorp
Classification: Pathogenic for Agammaglobulinemia 3, autosomal recessive. Last evaluated: 2022-04-20. Review status: criteria provided, single submitter. Criteria: Invitae Variant Classification Sherloc (09022015). Collection method: clinical testing. Allele origin: germline.
Comment: This sequence change creates a premature translational stop signal (p.Gly29Valfs*25) in the CD79A gene. It is expected to result in an absent or disrupted protein product. Loss-of-function variants in CD79A are known to be pathogenic (PMID: 10525050, 24481606). This variant is not present in population databases (gnomAD no frequency). This variant has not been reported in the literature in individuals affected with CD79A-related conditions. Algorithms developed to predict the effect of sequence changes on RNA splicing suggest that this variant may disrupt the consensus splice site. For these reasons, this variant has been classified as Pathogenic.

Literature cited by the submitters: PubMed 10525050; PubMed 24481606.